The following is an entry in ClinVar:

NM_015627.3(LDLRAP1):c.626C>G (p.Thr209Ser)

Gene: LDLRAP1 (low density lipoprotein receptor adaptor protein 1; plus strand). Cytogenetic location: 1p36.11.
Variant type: single nucleotide variant.
Coding change: c.626C>G on transcript NM_015627.3 (MANE Select); coding-DNA position 626, C replaced by G.
Protein change: p.Thr209Ser; replaces threonine 209 with serine.
Molecular consequence: missense variant.
Genome position (GRCh38, 1-based): chr1:25,563,670, C>G. VCF-style: chr1-25563670-C-G. GRCh37 (hg19) VCF-style: chr1-25890161-C-G.
Other names: short protein forms T209S.
Identifiers: ClinVar variation 2142011 (VCV002142011.9), dbSNP rs141522360, ClinGen allele CA695683.

ClinVar aggregate classification (germline): Uncertain significance. Review status: criteria provided, multiple submitters, no conflicts (2 of 4 stars). 6 submissions from 6 submitters: Uncertain significance (6). Last evaluated 2024-12-03.

Conditions:
Cardiovascular phenotype. Identifiers: MedGen CN230736.
Hypercholesterolemia, familial, 4 (FHCL4). Also called: HYPERCHOLESTEROLEMIA, AUTOSOMAL RECESSIVE, 1; HYPERCHOLESTEROLEMIA, AUTOSOMAL RECESSIVE, 2. Identifiers: Orphanet 391665, MedGen C1863512, MONDO:0011374, OMIM 603813.

Allele frequency attached by ClinVar (database versions not stated): 1000 Genomes Project 30x 0.00031; 1000 Genomes Project 0.00040.
gnomAD v4.1: 11 of 1,613,708 alleles (0.00068%); highest among the groups gnomAD compares: East Asian, 0.02%; 1 homozygote.

Submissions (6):

Internal Cardiology Department, Cho Ray Hospital
Classification: Uncertain significance for Hypercholesterolemia, familial, 4. Last evaluated: 2024-12-03. Review status: criteria provided, single submitter. Criteria: ACMG Guidelines, 2015. Collection method: provider interpretation. Allele origin: germline. Inheritance: Autosomal recessive inheritance. Affected: yes. Observed: 1 compound heterozygote.
Comment: A heterozygous missense variant in exon 7 of the LDLRAP1 gene (chr1:g.25563670C>G; Depth: 135x) that results in the amino acid substitution of Serine for Threonine at codon 209 (p.Thr209Ser; ENST00000374338.5) was detected. The p.Thr209Ser variant has been reported and has a minor allele frequency of 0.04%, 0.003% and 0.002% in the 1000 genomes, gnomAD (v3.1) and gnomAD (v2.1) databases respectively. The in-silico predictions of the variant is damaging by SIFT and LRT.

Women's Health and Genetics/Laboratory Corporation of America, LabCorp
Classification: Uncertain significance. Last evaluated: 2024-11-18. Review status: criteria provided, single submitter. Criteria: LabCorp Variant Classification Summary - May 2015. Collection method: clinical testing. Allele origin: germline.
Comment: Variant summary: LDLRAP1 c.626C>G (p.Thr209Ser) results in a conservative amino acid change in the encoded protein sequence. Four of five in-silico tools predict a benign effect of the variant on protein function. The variant allele was found at a frequency of 2.4e-05 in 250554 control chromosomes (gnomAD). The available data on variant occurrences in the general population are insufficient to allow any conclusion about variant significance. c.626C>G has been reported in the literature in at least an individual affected with LDLRAP1-related conditions (example: Dron_2020). This report does not provide unequivocal conclusions about association of the variant with familial hypercholesterolemia. To our knowledge, no experimental evidence demonstrating an impact on protein function has been reported. The following publication has been ascertained in the context of this evaluation (PMID: 32041611). ClinVar contains an entry for this variant (Variation ID: 2142011). Based on the evidence outlined above, the variant was classified as uncertain significance.

Blueprint Genetics
Classification: Uncertain significance. Last evaluated: 2023-11-20. Review status: criteria provided, single submitter. Criteria: ACMG Guidelines, 2015. Collection method: clinical testing. Allele origin: germline.

Ambry Genetics
Classification: Uncertain significance for Cardiovascular phenotype. Last evaluated: 2023-05-19. Review status: criteria provided, single submitter. Criteria: Ambry Variant Classification Scheme 2023. Collection method: clinical testing. Allele origin: germline.

Genome-Nilou Lab
Classification: Uncertain significance for Hypercholesterolemia, familial, 4. Last evaluated: 2023-04-11. Review status: criteria provided, single submitter. Criteria: ACMG Guidelines, 2015. Collection method: clinical testing. Allele origin: germline. Affected: no.

Labcorp Genetics (formerly Invitae), Labcorp
Classification: Uncertain significance for Hypercholesterolemia, familial, 4. Last evaluated: 2021-12-25. Review status: criteria provided, single submitter. Criteria: Invitae Variant Classification Sherloc (09022015). Collection method: clinical testing. Allele origin: germline.
Comment: This sequence change replaces threonine, which is neutral and polar, with serine, which is neutral and polar, at codon 209 of the LDLRAP1 protein (p.Thr209Ser). This variant is present in population databases (rs141522360, gnomAD 0.03%). This variant has not been reported in the literature in individuals affected with LDLRAP1-related conditions. Algorithms developed to predict the effect of missense changes on protein structure and function are either unavailable or do not agree on the potential impact of this missense change (SIFT: "Tolerated"; PolyPhen-2: "Possibly Damaging"; Align-GVGD: "Class C0"). In summary, the available evidence is currently insufficient to determine the role of this variant in disease. Therefore, it has been classified as a Variant of Uncertain Significance.

Literature cited by the submitters: PubMed 32041611 (cited by Women's Health and Genetics/Laboratory Corporation of America, LabCorp).